The following is an entry in ClinVar:

ClinVar aggregate classification (germline): Conflicting classifications of pathogenicity. Review status: criteria provided, conflicting classifications (1 of 4 stars). 2 submissions from 2 submitters: Uncertain significance (1); Likely benign (1). Last evaluated 2023-03-23.

Conditions:
Hereditary breast ovarian cancer syndrome. Also called: Breast and ovarian cancer; Hereditary breast and ovarian cancer; Hereditary breast and/or ovarian cancer syndrome; BRCA1- and BRCA2-Associated Hereditary Breast and Ovarian Cancer; Hereditary breast and ovarian cancer syndrome; Hereditary breast and ovarian cancer syndrome (HBOC). Identifiers: Orphanet 145, MedGen C0677776, MeSH D061325, MONDO:0003582. Disease mechanism: loss of function.
Hereditary cancer-predisposing syndrome. Also called: Tumor predisposition; Hereditary neoplastic syndrome; Neoplastic Syndromes, Hereditary; Hereditary Cancer Syndrome. Identifiers: Orphanet 140162, MedGen C0027672, MeSH D009386, MONDO:0015356.

Submissions (2):

University of Washington Department of Laboratory Medicine, University of Washington
Classification: Likely benign for Hereditary cancer-predisposing syndrome. Last evaluated: 2023-03-23. Review status: criteria provided, single submitter. Criteria: Dines et al. (Genet Med. 2020). Collection method: curation. Allele origin: germline.
Comment: Missense variant in a coldspot region where missense variants are very unlikely to be pathogenic (PMID:31911673).

BRCA2 exon 11 coldspot. Reclassification based on statistical prior probability.

Labcorp Genetics (formerly Invitae), Labcorp
Classification: Uncertain significance for Hereditary breast ovarian cancer syndrome. Last evaluated: 2019-04-02. Review status: criteria provided, single submitter. Criteria: Invitae Variant Classification Sherloc (09022015). Collection method: clinical testing. Allele origin: germline.
Comment: In summary, the available evidence is currently insufficient to determine the role of this variant in disease. Therefore, it has been classified as a Variant of Uncertain Significance. Algorithms developed to predict the effect of missense changes on protein structure and function are either unavailable or do not agree on the potential impact of this missense change (SIFT: "Deleterious"; PolyPhen-2: "Probably Damaging"; Align-GVGD: "Class C0"). This variant has not been reported in the literature in individuals with BRCA2-related conditions. This variant is not present in population databases (ExAC no frequency). This sequence change replaces isoleucine with methionine at codon 1017 of the BRCA2 protein (p.Ile1017Met). The isoleucine residue is highly conserved and there is a small physicochemical difference between isoleucine and methionine.

NM_000059.4(BRCA2):c.3051C>G (p.Ile1017Met)

Gene: BRCA2 (BRCA2 DNA repair associated; plus strand). Cytogenetic location: 13q13.1.
Variant type: single nucleotide variant.
Coding change: c.3051C>G on transcript NM_000059.4 (MANE Select); coding-DNA position 3051, C replaced by G.
Protein change: p.Ile1017Met; replaces isoleucine 1017 with methionine.
Molecular consequence: missense variant.
Genome position (GRCh38, 1-based): chr13:32,337,406, C>G. VCF-style: chr13-32337406-C-G. GRCh37 (hg19) VCF-style: chr13-32911543-C-G.
Other names: short protein forms I1017M.
Identifiers: ClinVar variation 844842 (VCV000844842.11), dbSNP rs786201561, ClinGen allele CA387775038.